The following is an entry in ClinVar:

ClinVar aggregate classification (germline): Benign/Likely benign. Review status: criteria provided, multiple submitters, no conflicts (2 of 4 stars). 2 submissions from 2 submitters: Benign (1); Likely benign (1). Last evaluated 2024-10-29.

Conditions:
Melanoma, cutaneous malignant, susceptibility to, 3. Also called: Cutaneous malignant melanoma 3. Identifiers: Orphanet 618, MedGen C1836892, MONDO:0012183, OMIM 609048.
Hereditary cancer-predisposing syndrome. Also called: Neoplastic Syndromes, Hereditary; Tumor predisposition; Hereditary Cancer Syndrome; Hereditary neoplastic syndrome. Identifiers: Orphanet 140162, MedGen C0027672, MeSH D009386, MONDO:0015356.

Submissions (2):

Ambry Genetics
Classification: Likely benign for Hereditary cancer-predisposing syndrome. Last evaluated: 2024-10-29. Review status: criteria provided, single submitter. Criteria: Ambry Variant Classification Scheme 2023. Collection method: clinical testing. Allele origin: germline.

Myriad Genetics, Inc.
Classification: Benign for Melanoma, cutaneous malignant, susceptibility to, 3. Last evaluated: 2024-09-25. Review status: criteria provided, single submitter. Criteria: Myriad Autosomal Dominant, Autosomal Recessive and X-Linked Classification Criteria (2023). Collection method: clinical testing. Allele origin: unknown.
Comment: This variant is considered benign. This variant is a silent/synonymous amino acid change and it is not expected to impact splicing.

NM_000075.4(CDK4):c.468G>A (p.Leu156=)

Gene: CDK4 (cyclin dependent kinase 4; minus strand). Cytogenetic location: 12q14.1.
Variant type: single nucleotide variant.
Coding change: c.468G>A on transcript NM_000075.4 (MANE Select); coding-DNA position 468, G replaced by A.
Protein change: p.Leu156=; no amino-acid change (leucine 156 retained).
Molecular consequence: synonymous variant.
Genome position (GRCh38, 1-based): chr12:57,750,977, C>T on the plus strand (G>A on the coding strand, the complement: CDK4 is on the minus strand). VCF-style: chr12-57750977-C-T. GRCh37 (hg19) VCF-style: chr12-58144760-C-T.
Other names: c.468G>A (NM_000075.3).
Identifiers: ClinVar variation 3378733 (VCV003378733.2).